The following is an entry in ClinVar:

NM_213653.4(HJV):c.657+2T>C

Gene: HJV (hemojuvelin BMP co-receptor; minus strand). Cytogenetic location: 1q21.1.
Variant type: single nucleotide variant.
Coding change: c.657+2T>C on transcript NM_213653.4 (MANE Select); the canonical splice donor site of the intron after coding-DNA position 657, T replaced by C.
Molecular consequence: splice donor variant. On other transcripts: intron variant (3).
Genome position (GRCh38, 1-based): chr1:146,019,173, A>G on the plus strand (T>C on the coding strand, the complement: HJV is on the minus strand). VCF-style: chr1-146019173-A-G. GRCh37 (hg19) VCF-style: chr1-145415840-T-C.
Other names: c.-21-473T>C (NM_213652.4, NM_202004.4, NM_001316767.2); c.318+2T>C (NM_145277.5); c.657+2T>C (NM_001379352.1).
Identifiers: ClinVar variation 4734988 (VCV004734988.1).

ClinVar aggregate classification (germline): Pathogenic (1 of 4 stars; one submission).

Submission:

Labcorp Genetics (formerly Invitae), Labcorp
Classification: Pathogenic. Last evaluated: 2026-01-09. Review status: criteria provided, single submitter. Criteria: Invitae Variant Classification Sherloc (09022015). Collection method: clinical testing. Allele origin: germline.
Comment: This sequence change affects a donor splice site in intron 3 of the HJV gene. While this variant is not anticipated to result in nonsense mediated decay, it likely alters RNA splicing and results in a disrupted protein product. This variant is not present in population databases (gnomAD no frequency). This variant has not been reported in the literature in individuals affected with HJV-related conditions. Variants that disrupt the consensus splice site are a relatively common cause of aberrant splicing (PMID: 17576681, 9536098). Algorithms developed to predict the effect of sequence changes on RNA splicing suggest that this variant may disrupt the consensus splice site. This variant disrupts a region of the HJV protein in which other variant(s) (p.326*) have been determined to be pathogenic (PMID: 14982873, 19342478, 30195625). This suggests that this is a clinically significant region of the protein, and that variants that disrupt it are likely to be disease-causing. For these reasons, this variant has been classified as Pathogenic.

Literature cited by the submitters: PubMed 17576681; PubMed 9536098; PubMed 14982873; PubMed 19342478; PubMed 30195625.